The following is an entry in ClinVar:

NM_002941.4(ROBO1):c.505C>T (p.Arg169Trp)

Gene: ROBO1 (roundabout guidance receptor 1; minus strand). Cytogenetic location: 3p12.3.
Variant type: single nucleotide variant.
Coding change: c.505C>T on transcript NM_002941.4 (MANE Select); coding-DNA position 505, C replaced by T.
Protein change: p.Arg169Trp; replaces arginine 169 with tryptophan.
Molecular consequence: missense variant.
Genome position (GRCh38, 1-based): chr3:78,746,895, G>A on the plus strand (C>T on the coding strand, the complement: ROBO1 is on the minus strand). VCF-style: chr3-78746895-G-A. GRCh37 (hg19) VCF-style: chr3-78796045-G-A.
Other names: c.388C>T, p.Arg130Trp (NM_001145844.1, NM_001145845.2, NM_133631.4); short protein forms R130W, R169W.
Identifiers: ClinVar variation 2571786 (VCV002571786.21), dbSNP rs1354517055, ClinGen allele CA353680245.

ClinVar aggregate classification (germline): Uncertain significance. Review status: criteria provided, multiple submitters, no conflicts (2 of 4 stars). 2 submissions from 2 submitters: Uncertain significance (2). Last evaluated 2024-04-01.

Allele frequency attached by ClinVar (database versions not stated): TOPMed below 0.00001; gnomAD 0.00001.
gnomAD v4.1: 10 of 1,560,194 alleles (0.00064%); highest among the groups gnomAD compares: Admixed American, 0.0018%; no homozygotes.

Submissions (2):

CeGaT Center for Human Genetics Tuebingen
Classification: Uncertain significance. Last evaluated: 2024-04-01. Review status: criteria provided, single submitter. Criteria: CeGaT Center For Human Genetics Tuebingen Variant Classification Criteria Version 2. Collection method: clinical testing. Allele origin: germline. Affected: yes. Observed: 1 variant allele.
Comment: ROBO1: PP3

GeneDx
Classification: Uncertain significance. Last evaluated: 2023-07-03. Review status: criteria provided, single submitter. Criteria: GeneDx Variant Classification Process June 2021. Collection method: clinical testing. Allele origin: germline. Affected: yes.
Comment: Not observed at significant frequency in large population cohorts (gnomAD); In silico analysis supports that this missense variant has a deleterious effect on protein structure/function; Has not been previously published as pathogenic or benign to our knowledge